The following is an entry in ClinVar:

NM_001163435.3(TBCK):c.1363A>T (p.Lys455Ter)

Gene: TBCK (TBC1 domain containing kinase; minus strand). Cytogenetic location: 4q24.
Variant type: single nucleotide variant.
Coding change: c.1363A>T on transcript NM_001163435.3 (MANE Select); coding-DNA position 1363, A replaced by T.
Protein change: p.Lys455Ter; replaces lysine 455 with a stop codon.
Molecular consequence: nonsense.
Genome position (GRCh38, 1-based): chr4:106,235,355, T>A on the plus strand (A>T on the coding strand, the complement: TBCK is on the minus strand). VCF-style: chr4-106235355-T-A. GRCh37 (hg19) VCF-style: chr4-107156512-T-A.
Other names: TBCK, LYS455TER (rs376699648); NM_001163435.3(TBCK):c.1363A>T; p.Lys455Ter; c.1363A>T, p.Lys455Ter (NM_001163436.4); c.1246A>T, p.Lys416Ter (NM_001163437.3); c.847A>T, p.Lys283Ter (NM_001290768.2); c.1174A>T, p.Lys392Ter (NM_033115.5); short protein forms K455*, K392*, K283*, K416*.
Identifiers: ClinVar variation 225236 (VCV000225236.15), dbSNP rs376699648, ClinGen allele CA358671.

ClinVar aggregate classification (germline): Pathogenic. Review status: criteria provided, multiple submitters, no conflicts (2 of 4 stars). 9 submissions from 9 submitters: Pathogenic (7). 2 of the submissions do not count toward it. Last evaluated 2025-06-17.

Conditions:
TBCK-related disorder. Also called: TBCK-related condition; TBCK-related disorders.
Syndromic Infantile Encephalopathy.
Hypotonia, infantile, with psychomotor retardation and characteristic facies 3 (IHPRF3). Also called: TBCK-Related Neurodevelopmental Disorder. Identifiers: Orphanet 488632, MedGen C5567480, MONDO:0014823, OMIM 616900.

Allele frequency attached by ClinVar (database versions not stated): gnomAD exomes 0.00001 and 0.00002; TOPMed 0.00001; ExAC 0.00002; gnomAD 0.00003.
gnomAD v4.1: 19 of 1,606,922 alleles (0.0012%); highest among the groups gnomAD compares: Admixed American, 0.0084%; no homozygotes.

Submissions (9):

Variantyx, Inc.
Classification: Pathogenic for Hypotonia, infantile, with psychomotor retardation and characteristic facies 3. Last evaluated: 2025-06-17. Review status: criteria provided, single submitter. Criteria: Variantyx Assertion Criteria 2022. Collection method: clinical testing. Allele origin: germline. Inheritance: Autosomal recessive inheritance. Affected: no.
Comment: This is a nonsense variant in the TBCK gene (OMIM: 616899). Pathogenic variants in this gene have been associated with autosomal recessive infantile hypotonia with psychomotor retardation and characteristic facies 3. This variant introduces a premature termination codon in exon 15 out of 26 and is expected to result in loss of function, which is a known disease mechanism for TBCK in this disorder (PMID: 27040692) (PVS1). This variant has been observed to segregate with disease in at least 4 individuals from 2 families (PMID: 27040692) (PP1) and has been reported in the homozygous state in at least two affected individuals (PMID:27040692). This variant has a 0.0084% maximum allele frequency in non-founder control populations (PM2). Based on the current evidence, this variant is classified as pathogenic for autosomal recessive infantile hypotonia with psychomotor retardation and characteristic facies 3.

Dasa
Classification: Pathogenic. Last evaluated: 2025-05-23. Review status: criteria provided, single submitter. Criteria: DASA Assertion Criteria. Collection method: clinical testing. Allele origin: germline.
Comment: NM_001163435.3(TBCK):c.1363A>T (p.Lys455*) introduces a premature termination codon resulting in loss of normal protein function. Loss-of-function is an established mechanism of disease for this gene. The variant has been reported in individuals with infantile hypotonia with psychomotor retardation (PMID: 27040692). It is present at low frequency in population datasets. Based on the available data, this variant is classified as pathogenic.

Labcorp Genetics (formerly Invitae), Labcorp
Classification: Pathogenic. Last evaluated: 2025-03-27. Review status: criteria provided, single submitter. Criteria: Invitae Variant Classification Sherloc (09022015). Collection method: clinical testing. Allele origin: germline.
Comment: This sequence change creates a premature translational stop signal (p.Lys455*) in the TBCK gene. It is expected to result in an absent or disrupted protein product. Loss-of-function variants in TBCK are known to be pathogenic (PMID: 27040692, 30103036). This variant is present in population databases (rs376699648, gnomAD 0.009%). This premature translational stop signal has been observed in individual(s) with TBCK-related encephalopathy (PMID: 27040692). ClinVar contains an entry for this variant (Variation ID: 225236). Algorithms developed to predict the effect of sequence changes on RNA splicing suggest that this variant may disrupt the consensus splice site. For these reasons, this variant has been classified as Pathogenic.

Broad Center for Mendelian Genomics, Broad Institute of MIT and Harvard
Classification: Pathogenic for Hypotonia, infantile, with psychomotor retardation and characteristic facies 3. Last evaluated: 2025-01-13. Review status: criteria provided, single submitter. Criteria: ACMG Guidelines, 2015. Collection method: curation. Allele origin: germline. Inheritance: Autosomal recessive inheritance.
Comment: The p.Lys455Ter variant in TBCK has been reported in least two individuals with TBCK-related intellectual disability syndrome (PMID: 27040692, 36522252), segregated with disease in 1 affected individual from 1 family (PMID: 27040692), and has been identified in 0.008% (5/59446) of Latino/Admixed American chromosomes by the Genome Aggregation Database (gnomAD; dbSNP ID: rs376699648). Although this variant has been seen in the general population in a heterozygous state, its frequency is low enough to be consistent with a recessive carrier frequency. This variant has also been reported in ClinVar (Variation ID: 225236) and has been interpreted as pathogenic/likely pathogenic by Invitae, OMIM, GeneDx, and the University of Washington Center for Mendelian Genomics (University of Washington). Of the 3 affected individuals, two of those were homozygotes, which increases the likelihood that the p.Lys455Ter variant is pathogenic (Variation ID: 27040692, 36522252). This nonsense variant leads to a premature termination codon at position 455, which is predicted to lead to a truncated or absent protein. Loss of function of the TBCK gene is an established disease mechanism in autosomal recessive TBCK-related intellectual disability syndrome. In summary, this variant meets criteria to be classified as pathogenic for autosomal recessive TBCK-related intellectual disability syndrome. ACMG/AMP Criteria applied: PVS1, PM3, PM2_supporting (Richards 2015).

Rady Children's Institute for Genomic Medicine, Rady Children's Hospital San Diego
Classification: Pathogenic for TBCK-related disorders. Last evaluated: 2024-02-12. Review status: criteria provided, single submitter. Criteria: ACMG Guidelines, 2015. Collection method: clinical testing. Allele origin: germline. Affected: yes.
Comment: This nonsense variant found in exon 16 of 27 is predicted to result in loss of normal protein function through either protein truncation or nonsense-mediated mRNA decay. Loss-of-function variation in TBCK is an established mechanism of disease (PMID: 29283439, 27040692). This variant has been previously reported as a homozygous change in patients with TBCK-related disorder (PMID: 27040692, 36522252). The c.1363A>T (p.Lys455Ter) variant is present in the heterozygous state in the gnomAD v4 population database at a frequency of 0.001% (19/1606922), and is absent in the homozygous state, thus is presumed to be rare. Based on the available evidence, c.1363A>T (p.Lys455Ter) is classified as Pathogenic.

PreventionGenetics, part of Exact Sciences
Classification: Pathogenic for TBCK-related condition. Last evaluated: 2023-08-16. Review status: criteria provided, single submitter. Criteria: ACMG Guidelines, 2015. Collection method: clinical testing. Allele origin: germline.
Comment: The TBCK c.1363A>T variant is predicted to result in premature protein termination (p.Lys455*). This variant was reported in a consanguineous family in the homozygous state in two individuals with severe infantile syndromic encephalopathy (Chong et al 2016. PubMed ID: 27040692). This variant is reported in 0.0089% of alleles in individuals of Latino descent in gnomAD. Nonsense variants in TBCK are expected to be pathogenic. This variant is interpreted as pathogenic.

GeneDx
Classification: Pathogenic. Last evaluated: 2021-11-23. Review status: criteria provided, single submitter. Criteria: GeneDx Variant Classification Process June 2021. Collection method: clinical testing. Allele origin: germline. Affected: yes.
Comment: Nonsense variant predicted to result in protein truncation or nonsense mediated decay in a gene for which loss-of-function is a known mechanism of disease; This variant is associated with the following publications: (PMID: 27040692, 33240423)

OMIM
Classification: Pathogenic for HYPOTONIA, INFANTILE, WITH PSYCHOMOTOR RETARDATION AND CHARACTERISTIC FACIES 3. Last evaluated: 2016-05-19. Review status: no assertion criteria provided. Collection method: literature only. Allele origin: germline. Not counted in ClinVar's aggregate classification.

University of Washington Center for Mendelian Genomics, University of Washington
Classification: Likely pathogenic for Syndromic Infantile Encephalopathy. Last evaluated: 2016-04-07. Review status: no assertion criteria provided. Collection method: research. Allele origin: unknown. Affected: yes. Observed: 2 heterozygotes. Not counted in ClinVar's aggregate classification.

Literature cited by the submitters: PubMed 27040692 (cited by 5 submitters); PubMed 30103036 (cited by Labcorp Genetics (formerly Invitae), Labcorp).